The following is an entry in ClinVar:

ClinVar aggregate classification (germline): Uncertain significance (1 of 4 stars; one submission).

Conditions:
Retinitis pigmentosa 59 (RP59). Identifiers: Orphanet 791, MedGen C3151227, MONDO:0013468, OMIM 613861.

Allele frequency attached by ClinVar (database versions not stated): gnomAD exomes below 0.00001; TOPMed below 0.00001; ExAC 0.00001.
gnomAD v4.1: 5 of 1,612,110 alleles (0.00031%); highest among the groups gnomAD compares: Admixed American, 0.0083%; 1 homozygote.

Submission:

Labcorp Genetics (formerly Invitae), Labcorp
Classification: Uncertain significance for Retinitis pigmentosa 59. Last evaluated: 2024-11-15. Review status: criteria provided, single submitter. Criteria: Invitae Variant Classification Sherloc (09022015). Collection method: clinical testing. Allele origin: germline.
Comment: This sequence change replaces glutamine, which is neutral and polar, with arginine, which is basic and polar, at codon 255 of the DHDDS protein (p.Gln255Arg). This variant is present in population databases (rs781521085, gnomAD 0.01%), including at least one homozygous and/or hemizygous individual. This variant has not been reported in the literature in individuals affected with DHDDS-related conditions. ClinVar contains an entry for this variant (Variation ID: 2159881). An algorithm developed to predict the effect of missense changes on protein structure and function (PolyPhen-2) suggests that this variant is likely to be disruptive. In summary, the available evidence is currently insufficient to determine the role of this variant in disease. Therefore, it has been classified as a Variant of Uncertain Significance.

NM_205861.3(DHDDS):c.764A>G (p.Gln255Arg)

Gene: DHDDS (dehydrodolichyl diphosphate synthase subunit; plus strand). Cytogenetic location: 1p36.11.
Variant type: single nucleotide variant.
Coding change: c.764A>G on transcript NM_205861.3 (MANE Select); coding-DNA position 764, A replaced by G.
Protein change: p.Gln255Arg; replaces glutamine 255 with arginine.
Molecular consequence: missense variant.
Genome position (GRCh38, 1-based): chr1:26,460,143, A>G. VCF-style: chr1-26460143-A-G. GRCh37 (hg19) VCF-style: chr1-26786634-A-G.
Other names: c.662A>G, p.Gln221Arg (NM_001243564.2); c.647A>G, p.Gln216Arg (NM_001243565.2); c.485A>G, p.Gln162Arg (NM_001319959.2); c.764A>G, p.Gln255Arg (NM_024887.4); short protein forms Q216R, Q255R, Q162R, Q221R.
Identifiers: ClinVar variation 2159881 (VCV002159881.3), dbSNP rs781521085, ClinGen allele CA705444.